The following is an entry in ClinVar:

NM_024675.4(PALB2):c.1064dup (p.Leu355fs)

Gene: PALB2 (partner and localizer of BRCA2; minus strand). Cytogenetic location: 16p12.2.
Variant type: Duplication.
Coding change: c.1064dup on transcript NM_024675.4 (MANE Select); coding-DNA position 1064, one base duplicated (T; older notation c.1064dupT).
Protein change: p.Leu355fs; shifts the reading frame from leucine 355.
Molecular consequence: frameshift variant. On other transcripts: intron variant (3).
Genome position (GRCh38, 1-based): chr16:23,635,482, A duplicated on the plus strand (T on the coding strand, the reverse complement: PALB2 is on the minus strand); the first of 3 consecutive A bases (chr16:23,635,482-23,635,484); duplicating any one gives the same sequence. VCF-style (leftmost placement, unchanged base first): chr16-23635481-T-TA. GRCh37 (hg19) VCF-style: chr16-23646802-T-TA.
Other names: c.48+5628dup (NM_001407314.1); c.-104-5013dup (NM_001407313.1, NM_001407312.1); c.1004dup, p.Leu335fs (NM_001407296.1); c.1064dup, p.Leu355fs (NM_001407297.1, NM_001407298.1, NM_001407299.1 and 3 more transcripts); c.179dup, p.Leu60fs (NM_001407304.1, NM_001407305.1, NM_001407306.1 and 5 more transcripts); c.1064dupT (NM_024675.3); short protein forms L335fs, L355fs, L60fs.
Identifiers: ClinVar variation 2567582 (VCV002567582.4), dbSNP rs1555461472, ClinGen allele CA2580612722.
Genomic context (GRCh38, chr16:23,635,481, plus strand): 5'-TAGAATCTCACTTTCCTGAAGATTTTCATTCCTGCCATCAAGAGTGTCACTGGGAGATTT[T>TA]AAAGATTTCTCTGTTTGATTTTGTTCTTTTAAGTTTTGGTTTTCATTTGCTGGTAAGTTA-3'

ClinVar aggregate classification (germline): Pathogenic. Review status: criteria provided, multiple submitters, no conflicts (2 of 4 stars). 2 submissions from 2 submitters: Pathogenic (2). Last evaluated 2024-08-12.

Conditions:
Hereditary cancer-predisposing syndrome. Also called: Hereditary neoplastic syndrome; Hereditary Cancer Syndrome; Neoplastic Syndromes, Hereditary; Tumor predisposition. Identifiers: Orphanet 140162, MedGen C0027672, MeSH D009386, MONDO:0015356.
Familial cancer of breast. Also called: hereditary breast carcinoma; Hereditary breast cancer; BREAST CANCER, FAMILIAL. Identifiers: Orphanet 227535, MedGen C0346153, MONDO:0016419, OMIM 114480. Disease mechanism: loss of function.

Submissions (2):

Labcorp Genetics (formerly Invitae), Labcorp
Classification: Pathogenic for Familial cancer of breast. Last evaluated: 2024-08-12. Review status: criteria provided, single submitter. Criteria: Invitae Variant Classification Sherloc (09022015). Collection method: clinical testing. Allele origin: germline.
Comment: This sequence change creates a premature translational stop signal (p.Leu355Phefs*6) in the PALB2 gene. It is expected to result in an absent or disrupted protein product. Loss-of-function variants in PALB2 are known to be pathogenic (PMID: 17200668, 17200671, 17200672, 24136930, 25099575). This variant is not present in population databases (gnomAD no frequency). This variant has not been reported in the literature in individuals affected with PALB2-related conditions. ClinVar contains an entry for this variant (Variation ID: 2567582). For these reasons, this variant has been classified as Pathogenic.

Ambry Genetics
Classification: Pathogenic for Hereditary cancer-predisposing syndrome. Last evaluated: 2023-05-08. Review status: criteria provided, single submitter. Criteria: Ambry Variant Classification Scheme 2023. Collection method: clinical testing. Allele origin: germline.
Comment: The c.1064dupT pathogenic mutation, located in coding exon 4 of the PALB2 gene, results from a duplication of T at nucleotide position 1064, causing a translational frameshift with a predicted alternate stop codon (p.L355Ffs*6). This variant is considered to be rare based on population cohorts in the Genome Aggregation Database (gnomAD). This alteration is expected to result in loss of function by premature protein truncation or nonsense-mediated mRNA decay. As such, this alteration is interpreted as a disease-causing mutation.

Literature cited by the submitters: PubMed 17200668 (cited by Labcorp Genetics (formerly Invitae), Labcorp); PubMed 17200671 (cited by Labcorp Genetics (formerly Invitae), Labcorp); PubMed 17200672 (cited by Labcorp Genetics (formerly Invitae), Labcorp); PubMed 24136930 (cited by Labcorp Genetics (formerly Invitae), Labcorp); PubMed 25099575 (cited by Labcorp Genetics (formerly Invitae), Labcorp).